The following is an entry in ClinVar:

NM_032242.4(PLXNA1):c.5316C>T (p.Cys1772=)

Gene: PLXNA1 (plexin A1; plus strand). Cytogenetic location: 3q21.3.
Variant type: single nucleotide variant.
Coding change: c.5316C>T on transcript NM_032242.4 (MANE Select); coding-DNA position 5316, C replaced by T.
Protein change: p.Cys1772=; no amino-acid change (cysteine 1772 retained).
Molecular consequence: synonymous variant.
Genome position (GRCh38, 1-based): chr3:127,032,471, C>T. VCF-style: chr3-127032471-C-T. GRCh37 (hg19) VCF-style: chr3-126751314-C-T.
Identifiers: ClinVar variation 3355411 (VCV003355411.1).
Genomic context (GRCh38, chr3:127,032,471, plus strand): 5'-CGTGATCAAGAACCCACAGTTTGTGTTCGACATTCACAAGAACAGCATCACGGACGCCTG[C>T]TTGTCGGTGGTGGCCCAGACCTTCATGGACTCCTGCTCCACCTCTGAGCACAAGCTGGGC-3'
Protein context (NP_115618.3, residues 1762-1782): DIHKNSITDA[Cys1772=]LSVVAQTFMD

ClinVar aggregate classification (germline): Likely benign (0 of 4 stars; one submission).

Conditions:
PLXNA1-related disorder. Also called: PLXNA1-related condition.

gnomAD v4.1: 13 of 1,613,980 alleles (0.00081%); highest among the groups gnomAD compares: African/African-American, 0.0093%; no homozygotes.

Submission:

PreventionGenetics, part of Exact Sciences
Classification: Likely benign for PLXNA1-related condition. Last evaluated: 2022-10-05. Review status: no assertion criteria provided. Collection method: clinical testing. Allele origin: germline.
Comment: This variant is classified as likely benign based on ACMG/AMP sequence variant interpretation guidelines (Richards et al. 2015 PMID: 25741868, with internal and published modifications).